The following is an entry in ClinVar:

NM_003850.3(SUCLA2):c.147G>C (p.Gln49His)

Gene: SUCLA2 (succinate-CoA ligase ADP-forming subunit beta; minus strand). Cytogenetic location: 13q14.2.
Variant type: single nucleotide variant.
Coding change: c.147G>C on transcript NM_003850.3 (MANE Select); coding-DNA position 147, G replaced by C.
Protein change: p.Gln49His; replaces glutamine 49 with histidine.
Molecular consequence: missense variant.
Genome position (GRCh38, 1-based): chr13:47,996,967, C>G on the plus strand (G>C on the coding strand, the complement: SUCLA2 is on the minus strand). VCF-style: chr13-47996967-C-G. GRCh37 (hg19) VCF-style: chr13-48571102-C-G.
Other names: short protein forms Q49H.
Identifiers: ClinVar variation 2197752 (VCV002197752.4), dbSNP rs1193311577, ClinGen allele CA388154238.
Genomic context (GRCh38, chr13:47,996,967, plus strand): 5'-GACACCAGCTTCTTGCAATAATTCCATACTCATGTATTCATGTAGTGAGAGATTCCTTTG[C>G]TGTTGCTGCTGTACTTGGAGTCCATGGTTATTAAACAATCCAGAACTTCCCAGAACCTAG-3'
Protein context (NP_003841.1, residues 39-59): NNHGLQVQQQ[Gln49His]QRNLSLHEYM

ClinVar aggregate classification (germline): Uncertain significance (1 of 4 stars; one submission).

Conditions:
Mitochondrial DNA depletion syndrome, encephalomyopathic form with methylmalonic aciduria (MTDPS5). Also called: SUCLA2-Related Mitochondrial DNA Depletion Syndrome, Encephalomyopathic Form with Methylmalonic Aciduria; Mitochondrial encephalomyopathy aminoacidopathy; MITOCHONDRIAL DNA DEPLETION SYNDROME, ENCEPHALOMYOPATHIC FORM, WITH OR WITHOUT METHYLMALONIC ACIDURIA, AUTOSOMAL RECESSIVE, SUCLA2-RELATED; Mitochondrial DNA depletion syndrome 5 (encephalomyopathic with or without methylmalonic aciduria). Identifiers: Orphanet 1933, MedGen C5980207, MONDO:0012791, OMIM 612073.

Allele frequency attached by ClinVar (database versions not stated): gnomAD 0.00001; TOPMed 0.00001.

Submission:

Labcorp Genetics (formerly Invitae), Labcorp
Classification: Uncertain significance for Mitochondrial DNA depletion syndrome, encephalomyopathic form with methylmalonic aciduria. Last evaluated: 2022-11-01. Review status: criteria provided, single submitter. Criteria: Invitae Variant Classification Sherloc (09022015). Collection method: clinical testing. Allele origin: germline.
Comment: This sequence change replaces glutamine, which is neutral and polar, with histidine, which is basic and polar, at codon 49 of the SUCLA2 protein (p.Gln49His). In summary, the available evidence is currently insufficient to determine the role of this variant in disease. Therefore, it has been classified as a Variant of Uncertain Significance. Algorithms developed to predict the effect of missense changes on protein structure and function are either unavailable or do not agree on the potential impact of this missense change (SIFT: "Tolerated"; PolyPhen-2: "Possibly Damaging"; Align-GVGD: "Class C0"). This variant has not been reported in the literature in individuals affected with SUCLA2-related conditions. This variant is not present in population databases (gnomAD no frequency).